The following is an entry in ClinVar:

ClinVar aggregate classification (germline): Conflicting classifications of pathogenicity. Review status: criteria provided, conflicting classifications (1 of 4 stars). 4 submissions from 4 submitters: Uncertain significance (3); Likely benign (1). Last evaluated 2025-12-24.

Conditions:
Drash syndrome (DDS). Also called: NEPHROPATHY, WILMS TUMOR, AND GENITAL ANOMALIES; WILMS TUMOR AND PSEUDO- OR TRUE HERMAPHRODITISM. Identifiers: Orphanet 220, MedGen C0950121, MONDO:0008682, OMIM 194080.
Wilms tumor 1 (WT1). Also called: Wilms tumor, somatic. Identifiers: Orphanet 654, MedGen CN033288, MONDO:0008679, OMIM 194070.
11p partial monosomy syndrome (WAGR). Also called: WAGR syndrome; WAGR Complex; CHROMOSOME 11p13 DELETION SYNDROME; WAGR Spectrum Disorder. Identifiers: Orphanet 893, MedGen C0206115, MONDO:0008681, OMIM 194072.
Frasier syndrome. Identifiers: Orphanet 347, MedGen C0950122, MeSH D052159, MONDO:0007635, OMIM 136680.
Inborn genetic diseases. Identifiers: MedGen C0950123, MeSH D030342.
WT1-related disorder. Also called: WT1-related disorders. Identifiers: MedGen CN377814.

Allele frequency attached by ClinVar (database versions not stated): gnomAD exomes below 0.00001 and 0.00001.

Submissions (4):

Labcorp Genetics (formerly Invitae), Labcorp
Classification: Uncertain significance for Wilms tumor 1; Drash syndrome; 11p partial monosomy syndrome; Frasier syndrome. Last evaluated: 2025-12-24. Review status: criteria provided, single submitter. Criteria: Invitae Variant Classification Sherloc (09022015). Collection method: clinical testing. Allele origin: germline.
Comment: This sequence change replaces glycine, which is neutral and non-polar, with arginine, which is basic and polar, at codon 21 of the WT1 protein (p.Gly21Arg). The frequency data for this variant in the population databases is considered unreliable, as metrics indicate poor data quality at this position in the gnomAD database. This variant has not been reported in the literature in individuals affected with WT1-related conditions. ClinVar contains an entry for this variant (Variation ID: 839433). Invitae Evidence Modeling of protein sequence and biophysical properties (such as structural, functional, and spatial information, amino acid conservation, physicochemical variation, residue mobility, and thermodynamic stability) has been performed for this missense variant. However, the output from this modeling did not meet the statistical confidence thresholds required to predict the impact of this variant on WT1 protein function. In summary, the available evidence is currently insufficient to determine the role of this variant in disease. Therefore, it has been classified as a Variant of Uncertain Significance.

Ambry Genetics
Classification: Likely benign for Inborn genetic diseases. Last evaluated: 2025-06-20. Review status: criteria provided, single submitter. Criteria: Ambry Variant Classification Scheme 2023. Collection method: clinical testing. Allele origin: germline.

PreventionGenetics, part of Exact Sciences
Classification: Uncertain significance for WT1-related condition. Last evaluated: 2024-11-19. Review status: criteria provided, single submitter. Criteria: ACMG Guidelines, 2015. Collection method: clinical testing. Allele origin: germline.
Comment: The WT1 c.61G>A variant is predicted to result in the amino acid substitution p.Gly21Arg. To our knowledge, this variant has not been reported in the literature. This variant is reported in 0.0040% of alleles in individuals of Latino descent in gnomAD. At this time, the clinical significance of this variant is uncertain due to the absence of conclusive functional and genetic evidence.

GeneDx
Classification: Uncertain significance. Last evaluated: 2024-05-08. Review status: criteria provided, single submitter. Criteria: GeneDx Variant Classification Process June 2021. Collection method: clinical testing. Allele origin: germline. Affected: yes.
Comment: Not observed at significant frequency in large population cohorts (gnomAD); In silico analysis supports that this missense variant does not alter protein structure/function; Has not been previously published as pathogenic or benign to our knowledge

NM_024426.6(WT1):c.76G>A (p.Gly26Arg)

Genes: WT1 (WT1 transcription factor; minus strand), LOC107982234 (WT1/WT1-AS bi-directional promoter region; plus strand). Cytogenetic location: 11p13.
Variant type: single nucleotide variant.
Coding change: c.76G>A on transcript NM_024426.6 (MANE Select); coding-DNA position 76, G replaced by A.
Protein change: p.Gly26Arg; replaces glycine 26 with arginine.
Molecular consequence: missense variant. On other transcripts: non-coding transcript variant (1).
Genome position (GRCh38, 1-based): chr11:32,435,285, C>T on the plus strand (G>A on the coding strand, the complement: WT1 is on the minus strand). VCF-style: chr11-32435285-C-T. GRCh37 (hg19) VCF-style: chr11-32456831-C-T.
Other names: c.76G>A, p.Gly26Arg (NM_000378.6, NM_024424.5); short protein forms G26R.
Identifiers: ClinVar variation 839433 (VCV000839433.13), dbSNP rs1189241211, ClinGen allele CA379966438.